The following is an entry in ClinVar:

ClinVar aggregate classification (germline): Uncertain significance (1 of 4 stars; one submission).

Allele frequency attached by ClinVar (database versions not stated): gnomAD exomes below 0.00001.
gnomAD v4.1: 2 of 1,614,142 alleles (0.00012%); highest among the groups gnomAD compares: African/African-American, 0.0027%; no homozygotes.

Submission:

Labcorp Genetics (formerly Invitae), Labcorp
Classification: Uncertain significance. Last evaluated: 2023-01-24. Review status: criteria provided, single submitter. Criteria: Invitae Variant Classification Sherloc (09022015). Collection method: clinical testing. Allele origin: germline.
Comment: In summary, the available evidence is currently insufficient to determine the role of this variant in disease. Therefore, it has been classified as a Variant of Uncertain Significance. Advanced modeling of protein sequence and biophysical properties (such as structural, functional, and spatial information, amino acid conservation, physicochemical variation, residue mobility, and thermodynamic stability) performed at Invitae indicates that this missense variant is not expected to disrupt UBE3B protein function. This variant has not been reported in the literature in individuals affected with UBE3B-related conditions. This variant is not present in population databases (gnomAD no frequency). This sequence change replaces threonine, which is neutral and polar, with alanine, which is neutral and non-polar, at codon 160 of the UBE3B protein (p.Thr160Ala).

NM_130466.4(UBE3B):c.478A>G (p.Thr160Ala)

Gene: UBE3B (ubiquitin protein ligase E3B; plus strand). Cytogenetic location: 12q24.11.
Variant type: single nucleotide variant.
Coding change: c.478A>G on transcript NM_130466.4 (MANE Select); coding-DNA position 478, A replaced by G.
Protein change: p.Thr160Ala; replaces threonine 160 with alanine.
Molecular consequence: missense variant.
Genome position (GRCh38, 1-based): chr12:109,488,602, A>G. VCF-style: chr12-109488602-A-G. GRCh37 (hg19) VCF-style: chr12-109926407-A-G.
Other names: c.478A>G, p.Thr160Ala (NM_001270449.2, NM_001270450.2, NM_001270451.2 and 1 more transcripts); short protein forms T160A.
Identifiers: ClinVar variation 1961503 (VCV001961503.5), dbSNP rs2548471617, ClinGen allele CA386631287.